The following is an entry in ClinVar:

NM_000780.4(CYP7A1):c.682T>G (p.Phe228Val)

Gene: CYP7A1 (cytochrome P450 family 7 subfamily A member 1; minus strand). Cytogenetic location: 8q12.1.
Variant type: single nucleotide variant.
Coding change: c.682T>G on transcript NM_000780.4 (MANE Select); coding-DNA position 682, T replaced by G.
Protein change: p.Phe228Val; replaces phenylalanine 228 with valine.
Molecular consequence: missense variant.
Genome position (GRCh38, 1-based): chr8:58,496,830, A>C on the plus strand (T>G on the coding strand, the complement: CYP7A1 is on the minus strand). VCF-style: chr8-58496830-A-C. GRCh37 (hg19) VCF-style: chr8-59409389-A-C.
Other names: short protein forms F228V.
Identifiers: ClinVar variation 2416725 (VCV002416725.6), dbSNP rs1415758299, ClinGen allele CA371293628.
Genomic context (GRCh38, chr8:58,496,830, plus strand): 5'-GGAGGTTCTCGTGCCTCAAGCTCTCTGCCAGTTTCTCCCGGGCATTGTGCGCAGTCCTGA[A>C]CATGTGAATGGGGAGGCCTGCTACCAGGGCTGGAAAGACTTTGTCGAATTGCTTGAAGTT-3'
Protein context (NP_000771.2, residues 218-238): ALVAGLPIHM[Phe228Val]RTAHNAREKL

ClinVar aggregate classification (germline): Uncertain significance (1 of 4 stars; one submission).

Allele frequency attached by ClinVar (database versions not stated): TOPMed 0.00002; gnomAD 0.00003; gnomAD exomes 0.00008.

Submission:

Labcorp Genetics (formerly Invitae), Labcorp
Classification: Uncertain significance. Last evaluated: 2022-04-02. Review status: criteria provided, single submitter. Criteria: Invitae Variant Classification Sherloc (09022015). Collection method: clinical testing. Allele origin: germline.
Comment: This sequence change replaces phenylalanine, which is neutral and non-polar, with valine, which is neutral and non-polar, at codon 228 of the CYP7A1 protein (p.Phe228Val). This variant is present in population databases (no rsID available, gnomAD 0.003%). This variant has not been reported in the literature in individuals affected with CYP7A1-related conditions. Algorithms developed to predict the effect of missense changes on protein structure and function (SIFT, PolyPhen-2, Align-GVGD) all suggest that this variant is likely to be disruptive. In summary, the available evidence is currently insufficient to determine the role of this variant in disease. Therefore, it has been classified as a Variant of Uncertain Significance.